The following is an entry in ClinVar:

ClinVar aggregate classification (germline): Uncertain significance (1 of 4 stars; one submission).

Conditions:
Muscular dystrophy-dystroglycanopathy (congenital with brain and eye anomalies), type A2. Also called: MUSCULAR DYSTROPHY-DYSTROGLYCANOPATHY (CONGENITAL WITH BRAIN AND EYE ANOMALIES), TYPE A, 2; WALKER-WARBURG SYNDROME OR MUSCLE-EYE-BRAIN DISEASE, POMT2-RELATED. Identifiers: Orphanet 588, Orphanet 899, MedGen C3150411, MONDO:0013154, OMIM 613150.
Muscular dystrophy-dystroglycanopathy (congenital with impaired intellectual development), type B, 2. Also called: Muscular dystrophy-dystroglycanopathy (congenital with intellectual disability), type B2; MUSCULAR DYSTROPHY, CONGENITAL, POMT2-RELATED. Identifiers: MedGen C3150416, MONDO:0013160, OMIM 613156.
Autosomal recessive limb-girdle muscular dystrophy type 2N. Also called: Muscular dystrophy-dystroglycanopathy (limb-girdle), type C, 2; MUSCULAR DYSTROPHY-DYSTROGLYCANOPATHY, LIMB-GIRDLE, POMT2-RELATED. Identifiers: Orphanet 206559, MedGen C3150418, MONDO:0013162, OMIM 613158.

Submission:

Labcorp Genetics (formerly Invitae), Labcorp
Classification: Uncertain significance for Muscular dystrophy-dystroglycanopathy (congenital with impaired intellectual development), type B, 2; Muscular dystrophy-dystroglycanopathy (congenital with brain and eye anomalies), type A2; Autosomal recessive limb-girdle muscular dystrophy type 2N. Last evaluated: 2022-08-16. Review status: criteria provided, single submitter. Criteria: Invitae Variant Classification Sherloc (09022015). Collection method: clinical testing. Allele origin: germline.
Comment: In summary, the available evidence is currently insufficient to determine the role of this variant in disease. Therefore, it has been classified as a Variant of Uncertain Significance. Algorithms developed to predict the effect of missense changes on protein structure and function are either unavailable or do not agree on the potential impact of this missense change (SIFT: "Tolerated"; PolyPhen-2: "Possibly Damaging"; Align-GVGD: "Class C0"). ClinVar contains an entry for this variant (Variation ID: 933435). This variant has not been reported in the literature in individuals affected with POMT2-related conditions. This variant is not present in population databases (gnomAD no frequency). This sequence change replaces glycine, which is neutral and non-polar, with glutamic acid, which is acidic and polar, at codon 276 of the POMT2 protein (p.Gly276Glu).

NM_013382.7(POMT2):c.827G>A (p.Gly276Glu)

Gene: POMT2 (protein O-mannosyltransferase 2; minus strand). Cytogenetic location: 14q24.3.
Variant type: single nucleotide variant.
Coding change: c.827G>A on transcript NM_013382.7 (MANE Select); coding-DNA position 827, G replaced by A.
Protein change: p.Gly276Glu; replaces glycine 276 with glutamic acid.
Molecular consequence: missense variant.
Genome position (GRCh38, 1-based): chr14:77,299,551, C>T on the plus strand (G>A on the coding strand, the complement: POMT2 is on the minus strand). VCF-style: chr14-77299551-C-T. GRCh37 (hg19) VCF-style: chr14-77765894-C-T.
Other names: short protein forms G276E.
Identifiers: ClinVar variation 933435 (VCV000933435.10), dbSNP rs1890947139, ClinGen allele CA390520037.